The following is an entry in ClinVar:

NM_005068.3(SIM1):c.1479C>G (p.Arg493=)

Genes: SIM1 (SIM bHLH transcription factor 1; minus strand), SIM1-AS1 (SIM1 antisense RNA 1; plus strand). Cytogenetic location: 6q16.3.
Variant type: single nucleotide variant.
Coding change: c.1479C>G on transcript NM_005068.3 (MANE Select); coding-DNA position 1479, C replaced by G.
Protein change: p.Arg493=; no amino-acid change (arginine 493 retained).
Molecular consequence: synonymous variant. On other transcripts: non-coding transcript variant (1).
Genome position (GRCh38, 1-based): chr6:100,393,578, G>C on the plus strand (C>G on the coding strand, the complement: SIM1 is on the minus strand). VCF-style: chr6-100393578-G-C. GRCh37 (hg19) VCF-style: chr6-100841454-G-C.
Other names: c.1479C>G, p.Arg493= (NM_001374769.1).
Identifiers: ClinVar variation 3358014 (VCV003358014.1).

ClinVar aggregate classification (germline): Likely benign (0 of 4 stars; one submission).

Conditions:
SIM1-related disorder. Also called: SIM1-related condition; SIM1-related disorders.

gnomAD v4.1: 1 of 1,613,378 alleles (0.000062%); highest among the groups gnomAD compares: African/African-American, 0.0013%; no homozygotes.

Submission:

PreventionGenetics, part of Exact Sciences
Classification: Likely benign for SIM1-related condition. Last evaluated: 2020-11-23. Review status: no assertion criteria provided. Collection method: clinical testing. Allele origin: germline.
Comment: This variant is classified as likely benign based on ACMG/AMP sequence variant interpretation guidelines (Richards et al. 2015 PMID: 25741868, with internal and published modifications).